The following is an entry in ClinVar:

NM_001009880.2(KIAA0930):c.973G>A (p.Ala325Thr)

Gene: KIAA0930 (KIAA0930; minus strand). Cytogenetic location: 22q13.31.
Variant type: single nucleotide variant.
Coding change: c.973G>A on transcript NM_001009880.2 (MANE Select); coding-DNA position 973, G replaced by A.
Protein change: p.Ala325Thr; replaces alanine 325 with threonine.
Molecular consequence: missense variant.
Genome position (GRCh38, 1-based): chr22:45,199,915, C>T on the plus strand (G>A on the coding strand, the complement: KIAA0930 is on the minus strand). VCF-style: chr22-45199915-C-T. GRCh37 (hg19) VCF-style: chr22-45595796-C-T.
Other names: c.988G>A, p.Ala330Thr (NM_015264.2); short protein forms A325T, A330T.
Identifiers: ClinVar variation 1691077 (VCV001691077.27), dbSNP rs2147734937, ClinGen allele CA411880540.
Genomic context (GRCh38, chr22:45,199,915, plus strand): 5'-CACGGAGTGGGGGGTCACCTCCACCGTCGTCCTCCCGGAAGAACTCCTCGCTGTCGTTGG[C>T]CGAGTGCGACTTCTTCATCTCAGCGATCCGGTTCCGGGGCACCTTCCTCTTGAGGGATGG-3'
Protein context (NP_001009880.1, residues 315-335): RIAEMKKSHS[Ala325Thr]NDSEEFFRED

ClinVar aggregate classification (germline): Likely pathogenic. Review status: criteria provided, single submitter (1 of 4 stars). 2 submissions from 1 submitter: Likely pathogenic (1). 1 of the submissions does not count toward it. Last evaluated 2023-04-01.

Conditions:
Neurodevelopmental disorder. Identifiers: MedGen C1535926, MeSH D065886, MONDO:0700092.

Submissions (2):

Hadassah Hebrew University Medical Center
Classification: Likely pathogenic for Neurodevelopmental disorder. Last evaluated: 2023-04-01. Review status: criteria provided, single submitter. Criteria: ACMG Guidelines, 2015. Collection method: clinical testing. Allele origin: germline. Affected: yes.

Hadassah Hebrew University Medical Center
Classification: Uncertain significance. Last evaluated: 2022-04-17. Review status: flagged submission. Criteria: ACMG Guidelines, 2015. Collection method: clinical testing. Allele origin: germline. Affected: yes. Not counted in ClinVar's aggregate classification.
ClinVar note: Reason: This record appears to be redundant with a more recent record from the same submitter.
ClinVar note: Notes: SCV002524049 appears to be redundant with SCV003922413.